The following is an entry in ClinVar:

ClinVar aggregate classification (germline): Likely benign. Review status: criteria provided, multiple submitters, no conflicts (2 of 4 stars). 4 submissions from 4 submitters: Likely benign (3). 1 of the submissions does not count toward it. Last evaluated 2025-07-30.

Conditions:
TRRAP-related disorder. Also called: TRRAP-related condition.

Allele frequency attached by ClinVar (database versions not stated): TOPMed below 0.00001; gnomAD 0.00001.
gnomAD v4.1: 50 of 1,614,072 alleles (0.0031%); highest among the groups gnomAD compares: Middle Eastern, 0.66%; 2 homozygotes.

Submissions (4):

Labcorp Genetics (formerly Invitae), Labcorp
Classification: Likely benign. Last evaluated: 2025-07-30. Review status: criteria provided, single submitter. Criteria: Invitae Variant Classification Sherloc (09022015). Collection method: clinical testing. Allele origin: germline.

Blueprint Genetics
Classification: Likely benign. Last evaluated: 2024-03-13. Review status: criteria provided, single submitter. Criteria: ACMG Guidelines, 2015. Collection method: clinical testing. Allele origin: germline.

CeGaT Center for Human Genetics Tuebingen
Classification: Likely benign. Last evaluated: 2023-01-01. Review status: criteria provided, single submitter. Criteria: CeGaT Center For Human Genetics Tuebingen Variant Classification Criteria Version 2. Collection method: clinical testing. Allele origin: germline. Affected: yes. Observed: 1 variant allele.
Comment: TRRAP: BP4, BP7

PreventionGenetics, part of Exact Sciences
Classification: Likely benign for TRRAP-related condition. Last evaluated: 2020-01-20. Review status: no assertion criteria provided. Collection method: clinical testing. Allele origin: germline. Not counted in ClinVar's aggregate classification.
Comment: This variant is classified as likely benign based on ACMG/AMP sequence variant interpretation guidelines (Richards et al. 2015 PMID: 25741868, with internal and published modifications).

NM_001375524.1(TRRAP):c.660T>G (p.Leu220=)

Gene: TRRAP (transformation/transcription domain associated protein; plus strand). Cytogenetic location: 7q22.1.
Variant type: single nucleotide variant.
Coding change: c.660T>G on transcript NM_001375524.1 (MANE Select); coding-DNA position 660, T replaced by G.
Protein change: p.Leu220=; no amino-acid change (leucine 220 retained).
Molecular consequence: synonymous variant.
Genome position (GRCh38, 1-based): chr7:98,899,448, T>G. VCF-style: chr7-98899448-T-G. GRCh37 (hg19) VCF-style: chr7-98497071-T-G.
Other names: c.660T>G (NM_003496.3); c.660T>G, p.Leu220= (NM_001244580.2, NM_003496.4).
Identifiers: ClinVar variation 1907471 (VCV001907471.31), dbSNP rs868965529, ClinGen allele CA163054613.